The following is an entry in ClinVar:

ClinVar aggregate classification (germline): Uncertain significance. Review status: criteria provided, multiple submitters, no conflicts (2 of 4 stars). 2 submissions from 2 submitters: Uncertain significance (2). Last evaluated 2025-10-07.

Conditions:
Hereditary cancer-predisposing syndrome. Also called: Neoplastic Syndromes, Hereditary; Tumor predisposition; Hereditary neoplastic syndrome; Hereditary Cancer Syndrome. Identifiers: Orphanet 140162, MedGen C0027672, MeSH D009386, MONDO:0015356.
Oligodontia-cancer predisposition syndrome. Also called: TOOTH AGENESIS-COLORECTAL CANCER SYNDROME. Identifiers: Orphanet 300576, MedGen C1837750, MONDO:0012075, OMIM 608615. Disease mechanism: loss of function.

Submissions (2):

Labcorp Genetics (formerly Invitae), Labcorp
Classification: Uncertain significance for Oligodontia-cancer predisposition syndrome. Last evaluated: 2025-10-07. Review status: criteria provided, single submitter. Criteria: Invitae Variant Classification Sherloc (09022015). Collection method: clinical testing. Allele origin: germline.
Comment: This sequence change replaces glutamine, which is neutral and polar, with arginine, which is basic and polar, at codon 713 of the AXIN2 protein (p.Gln713Arg). This variant is not present in population databases (gnomAD no frequency). This variant has not been reported in the literature in individuals affected with AXIN2-related conditions. ClinVar contains an entry for this variant (Variation ID: 641883). Invitae Evidence Modeling of protein sequence and biophysical properties (such as structural, functional, and spatial information, amino acid conservation, physicochemical variation, residue mobility, and thermodynamic stability) indicates that this missense variant is expected to disrupt AXIN2 protein function with a positive predictive value of 80%. In summary, the available evidence is currently insufficient to determine the role of this variant in disease. Therefore, it has been classified as a Variant of Uncertain Significance.

Ambry Genetics
Classification: Uncertain significance for Hereditary cancer-predisposing syndrome. Last evaluated: 2025-02-04. Review status: criteria provided, single submitter. Criteria: Ambry Variant Classification Scheme 2023. Collection method: clinical testing. Allele origin: germline.
Comment: The p.Q713R variant (also known as c.2138A>G), located in coding exon 7 of the AXIN2 gene, results from an A to G substitution at nucleotide position 2138. The glutamine at codon 713 is replaced by arginine, an amino acid with highly similar properties. This amino acid position is well conserved in available vertebrate species. In addition, this alteration is predicted to be tolerated by in silico analysis. Based on the available evidence, the clinical significance of this variant remains unclear.

NM_004655.4(AXIN2):c.2138A>G (p.Gln713Arg)

Gene: AXIN2 (axin 2; minus strand). Cytogenetic location: 17q24.1.
Variant type: single nucleotide variant.
Coding change: c.2138A>G on transcript NM_004655.4 (MANE Select); coding-DNA position 2138, A replaced by G.
Protein change: p.Gln713Arg; replaces glutamine 713 with arginine.
Molecular consequence: missense variant.
Genome position (GRCh38, 1-based): chr17:65,536,323, T>C on the plus strand (A>G on the coding strand, the complement: AXIN2 is on the minus strand). VCF-style: chr17-65536323-T-C. GRCh37 (hg19) VCF-style: chr17-63532441-T-C.
Other names: c.1943A>G, p.Gln648Arg (NM_001363813.1); c.2138A>G (LRG_296t1); short protein forms Q648R, Q713R.
Identifiers: ClinVar variation 641883 (VCV000641883.12), dbSNP rs1598096548, ClinGen allele CA400675908.